The following is an entry in ClinVar:

ClinVar aggregate classification (germline): Pathogenic (1 of 4 stars; one submission).

Conditions:
X-linked lymphoproliferative disease due to SH2D1A deficiency (XLP1). Also called: SH2D1A-Related Lymphoproliferative Disease, X-Linked; EBV infection severe susceptibility to; Epstein Barr virus infection familial fatal; Duncan's syndrome; DUNCAN DISEASE; IMMUNODEFICIENCY 5. Identifiers: Orphanet 2442, Orphanet 538931, MedGen C5399825, MONDO:0024551, OMIM 308240.

Submission:

Labcorp Genetics (formerly Invitae), Labcorp
Classification: Pathogenic for X-linked lymphoproliferative disease due to SH2D1A deficiency. Last evaluated: 2022-11-08. Review status: criteria provided, single submitter. Criteria: Invitae Variant Classification Sherloc (09022015). Collection method: clinical testing. Allele origin: unknown.
Comment: For these reasons, this variant has been classified as Pathogenic. A similar copy number variant has been observed in individuals with X-linked lymphoproliferative disease (PMID: 11049992). This variant is a gross deletion of the genomic region encompassing exon(s) 2-4 of the SH2D1A gene, which includes the termination codon. This deletion extends beyond the assayed region for this gene and therefore may encompass additional genes. While this deletion is not anticipated to lead to nonsense mediated decay, it is expected to alter mRNA translation or result in a truncated protein product.

Literature cited by the submitters: PubMed 11049992.

NC_000023.10:g.(?_123499591)_(123505241_?)del

Gene: SH2D1A (SH2 domain containing 1A; plus strand). Cytogenetic location: Xq25.
Variant type: Deletion.
Identifiers: ClinVar variation 3244970 (VCV003244970.1).